The following is an entry in ClinVar:

NM_000018.4(ACADVL):c.589C>A (p.Gln197Lys)

Gene: ACADVL (acyl-CoA dehydrogenase very long chain; plus strand). Cytogenetic location: 17p13.1.
Variant type: single nucleotide variant.
Coding change: c.589C>A on transcript NM_000018.4 (MANE Select); coding-DNA position 589, C replaced by A.
Protein change: p.Gln197Lys; replaces glutamine 197 with lysine.
Molecular consequence: missense variant.
Genome position (GRCh38, 1-based): chr17:7,221,649, C>A. VCF-style: chr17-7221649-C-A. GRCh37 (hg19) VCF-style: chr17-7124968-C-A.
Other names: p.Gln197Lys; c.523C>A, p.Gln175Lys (NM_001033859.3); c.658C>A, p.Gln220Lys (NM_001270447.2); c.361C>A, p.Gln121Lys (NM_001270448.2); short protein forms Q121K, Q175K, Q197K, Q220K.
Identifiers: ClinVar variation 4850525 (VCV004850525.1).
Genomic context (GRCh38, chr17:7,221,649, plus strand): 5'-ACCCTGGGGGCCCATCAGAGCATCGGTTTCAAAGGCATCCTGCTCTTTGGCACAAAGGCC[C>A]AGAAAGAAAAATACCTCCCCAAGCTGGCATCTGGTGAGGCAACCCTAGGAGAGCCAGGGA-3'
Protein context (NP_000009.1, residues 187-207): KGILLFGTKA[Gln197Lys]KEKYLPKLAS

ClinVar aggregate classification (germline): Likely pathogenic (1 of 4 stars; one submission).

Conditions:
Very long chain acyl-CoA dehydrogenase deficiency (ACADVLD). Also called: VLCAD Deficiency; Very Long-Chain Acyl-Coenzyme A Dehydrogenase Deficiency. Identifiers: Orphanet 26793, MedGen C3887523, MONDO:0008723, OMIM 201475.

Submission:

Foundation for Research in Genetics and Endocrinology, FRIGE's Institute of Human Genetics
Classification: Likely pathogenic for Very long chain acyl-CoA dehydrogenase deficiency. Last evaluated: 2026-01-23. Review status: criteria provided, single submitter. Criteria: ACMG Guidelines, 2015. Collection method: clinical testing. Allele origin: germline. Inheritance: Autosomal recessive inheritance. Affected: yes. Observed: 1 variant allele, 1 homozygote.
Comment: A homozygous missense variant in exon 7 of the ACADVL gene that results in the amino acid substitution of Lysine for Glutamine at codon 197 was detected. The observed variant c.589C>A has not been reported in the 1000 genomes and gnomAD databases. The variant is predicted to be damaging by FATHMM, LRT, Mutation Assessor, Mutation Taster and SIFT. In summary, the variant meets our criteria to be classified as likely pathogenic.